The following is an entry in ClinVar:

ClinVar aggregate classification (germline): Uncertain significance (1 of 4 stars; one submission).

Conditions:
Duchenne muscular dystrophy (DMD). Also called: MUSCULAR DYSTROPHY, PSEUDOHYPERTROPHIC PROGRESSIVE, DUCHENNE TYPE; Duchenne Muscular Dystrophy (DMD). Identifiers: Orphanet 98896, MedGen C0013264, MONDO:0010679, OMIM 310200.

Submission:

Labcorp Genetics (formerly Invitae), Labcorp
Classification: Uncertain significance for Duchenne muscular dystrophy. Last evaluated: 2024-11-11. Review status: criteria provided, single submitter. Criteria: Invitae Variant Classification Sherloc (09022015). Collection method: clinical testing. Allele origin: germline.
Comment: This sequence change replaces lysine, which is basic and polar, with arginine, which is basic and polar, at codon 1825 of the DMD protein (p.Lys1825Arg). This variant is not present in population databases (gnomAD no frequency). This variant has not been reported in the literature in individuals affected with DMD-related conditions. Invitae Evidence Modeling of protein sequence and biophysical properties (such as structural, functional, and spatial information, amino acid conservation, physicochemical variation, residue mobility, and thermodynamic stability) indicates that this missense variant is not expected to disrupt DMD protein function with a negative predictive value of 95%. In summary, the available evidence is currently insufficient to determine the role of this variant in disease. Therefore, it has been classified as a Variant of Uncertain Significance.

NM_004006.3(DMD):c.5474A>G (p.Lys1825Arg)

Gene: DMD (dystrophin; minus strand). Cytogenetic location: Xp21.1.
Variant type: single nucleotide variant.
Coding change: c.5474A>G on transcript NM_004006.3 (MANE Select); coding-DNA position 5474, A replaced by G.
Protein change: p.Lys1825Arg; replaces lysine 1825 with arginine.
Molecular consequence: missense variant.
Genome position (GRCh38, 1-based): chrX:32,346,055, T>C on the plus strand (A>G on the coding strand, the complement: DMD is on the minus strand). VCF-style: chrX-32346055-T-C. GRCh37 (hg19) VCF-style: chrX-32364172-T-C.
Other names: c.5450A>G, p.Lys1817Arg (NM_000109.4); c.5462A>G, p.Lys1821Arg (NM_004009.3); c.5105A>G, p.Lys1702Arg (NM_004010.3); c.1451A>G, p.Lys484Arg (NM_004011.4); c.1442A>G, p.Lys481Arg (NM_004012.4); short protein forms K1702R, K1817R, K1821R, K1825R, K481R, K484R.
Identifiers: ClinVar variation 3634820 (VCV003634820.2).